The following is an entry in ClinVar:

ClinVar aggregate classification (germline): Conflicting classifications of pathogenicity. Review status: criteria provided, conflicting classifications (1 of 4 stars). 2 submissions from 2 submitters: Uncertain significance (1); Likely benign (1). Last evaluated 2024-04-29.

Conditions:
Inborn genetic diseases. Identifiers: MedGen C0950123, MeSH D030342.

Allele frequency attached by ClinVar (database versions not stated): TOPMed 0.00008.
gnomAD v4.1: 30 of 1,613,604 alleles (0.0019%); highest among the groups gnomAD compares: South Asian, 0.0077%; no homozygotes.

Submissions (2):

Labcorp Genetics (formerly Invitae), Labcorp
Classification: Uncertain significance. Last evaluated: 2024-04-29. Review status: criteria provided, single submitter. Criteria: Invitae Variant Classification Sherloc (09022015). Collection method: clinical testing. Allele origin: germline.
Comment: This sequence change replaces valine, which is neutral and non-polar, with methionine, which is neutral and non-polar, at codon 176 of the P3H2 protein (p.Val176Met). This variant is present in population databases (rs181536548, gnomAD 0.01%). This variant has not been reported in the literature in individuals affected with P3H2-related conditions. ClinVar contains an entry for this variant (Variation ID: 1003255). Advanced modeling of protein sequence and biophysical properties (such as structural, functional, and spatial information, amino acid conservation, physicochemical variation, residue mobility, and thermodynamic stability) performed at Invitae indicates that this missense variant is not expected to disrupt P3H2 protein function with a negative predictive value of 80%. In summary, the available evidence is currently insufficient to determine the role of this variant in disease. Therefore, it has been classified as a Variant of Uncertain Significance.

Ambry Genetics
Classification: Likely benign for Inborn genetic diseases. Last evaluated: 2022-01-18. Review status: criteria provided, single submitter. Criteria: Ambry Variant Classification Scheme 2023. Collection method: clinical testing. Allele origin: germline.

NM_018192.4(P3H2):c.526G>A (p.Val176Met)

Gene: P3H2 (prolyl 3-hydroxylase 2; minus strand). Cytogenetic location: 3q28.
Variant type: single nucleotide variant.
Coding change: c.526G>A on transcript NM_018192.4 (MANE Select); coding-DNA position 526, G replaced by A.
Protein change: p.Val176Met; replaces valine 176 with methionine.
Molecular consequence: missense variant. On other transcripts: 5 prime UTR variant (1).
Genome position (GRCh38, 1-based): chr3:189,995,397, C>T on the plus strand (G>A on the coding strand, the complement: P3H2 is on the minus strand). VCF-style: chr3-189995397-C-T. GRCh37 (hg19) VCF-style: chr3-189713186-C-T.
Other names: c.-18G>A (NM_001134418.2); c.526G>A (NM_018192.3); short protein forms V176M.
Identifiers: ClinVar variation 1003255 (VCV001003255.7), dbSNP rs181536548, ClinGen allele CA2753316.